The following is an entry in ClinVar:

ClinVar aggregate classification (germline): Uncertain significance (1 of 4 stars; one submission).

Conditions:
Familial thoracic aortic aneurysm and aortic dissection (TAAD). Also called: Thoracic aortic aneurysms and dissections. Identifiers: Orphanet 91387, MedGen C4707243, MONDO:0019625.

Submission:

Ambry Genetics
Classification: Uncertain significance for Familial thoracic aortic aneurysm and aortic dissection. Last evaluated: 2026-05-14. Review status: criteria provided, single submitter. Criteria: Ambry Variant Classification Scheme 2023. Collection method: clinical testing. Allele origin: germline.
Comment: The p.E129D variant (also known as c.387G>T), located in coding exon 2 of the PRKG1 gene, results from a G to T substitution at nucleotide position 387. The glutamic acid at codon 129 is replaced by aspartic acid, an amino acid with highly similar properties. This amino acid position is conserved. In addition, the in silico prediction for this alteration is inconclusive. Based on the available evidence, the clinical significance of this variant remains unclear.

NM_006258.4(PRKG1):c.387G>T (p.Glu129Asp)

Gene: PRKG1 (protein kinase cGMP-dependent 1; plus strand). Cytogenetic location: 10q21.1.
Variant type: single nucleotide variant.
Coding change: c.387G>T on transcript NM_006258.4 (MANE Select); coding-DNA position 387, G replaced by T.
Protein change: p.Glu129Asp; replaces glutamic acid 129 with aspartic acid.
Molecular consequence: missense variant.
Genome position (GRCh38, 1-based): chr10:51,153,239, G>T. VCF-style: chr10-51153239-G-T. GRCh37 (hg19) VCF-style: chr10-52912999-G-T.
Other names: c.342G>T, p.Glu114Asp (NM_001098512.3); c.387G>T, p.Glu129Asp (NM_001374782.1); short protein forms E114D, E129D.
Identifiers: ClinVar variation 4862527 (VCV004862527.1).
Genomic context (GRCh38, chr10:51,153,239, plus strand): 5'-AAAGGAAGCTATCCTTGACAATGACTTTATGAAGAACTTGGAGCTGTCGCAGATCCAGGA[G>T]ATTGTGGATTGTATGTACCCGGTGGAGTATGGCAAGGACAGTTGCATCATCAAAGAAGGA-3'
Protein context (NP_006249.1, residues 119-139): MKNLELSQIQ[Glu129Asp]IVDCMYPVEY